The following is an entry in ClinVar:

NM_001127222.2(CACNA1A):c.1986+1G>T

Gene: CACNA1A (calcium voltage-gated channel subunit alpha1 A; minus strand). Cytogenetic location: 19p13.13.
Variant type: single nucleotide variant.
Coding change: c.1986+1G>T on transcript NM_001127222.2 (MANE Select); the canonical splice donor site of the intron after coding-DNA position 1986, G replaced by T.
Molecular consequence: splice donor variant.
Genome position (GRCh38, 1-based): chr19:13,307,781, C>A on the plus strand (G>T on the coding strand, the complement: CACNA1A is on the minus strand). VCF-style: chr19-13307781-C-A. GRCh37 (hg19) VCF-style: chr19-13418595-C-A.
Other names: c.1989+1G>T (NM_001127221.2, NM_001174080.2, NM_000068.4 and 1 more transcripts).
Identifiers: ClinVar variation 4527917 (VCV004527917.1).

ClinVar aggregate classification (germline): Pathogenic (1 of 4 stars; one submission).

Submission:

GeneDx
Classification: Pathogenic. Last evaluated: 2025-05-01. Review status: criteria provided, single submitter. Criteria: GeneDx Variant Classification Process June 2021. Collection method: clinical testing. Allele origin: germline. Affected: yes.
Comment: Canonical splice site variant predicted to result in a null allele in a gene for which loss of function is a known mechanism of disease; Not observed at significant frequency in large population cohorts (gnomAD); Has not been previously published as pathogenic or benign to our knowledge